The following is an entry in ClinVar:

ClinVar aggregate classification (germline): Uncertain significance. Review status: reviewed by expert panel (3 of 4 stars). 4 submissions from 4 submitters: Uncertain significance (1). 3 of the submissions do not count toward it. Last evaluated 2024-08-16.

Conditions:
Hereditary thrombocytopenia and hematologic cancer predisposition syndrome. Identifiers: Orphanet 71290, MedGen CN281654, MONDO:0011071.
Hereditary thrombocytopenia and hematological cancer predisposition syndrome associated with RUNX1. Also called: RUNX1 Familial Platelet Disorder with Associated Myeloid Malignancies; Familial Platelet Disorder with Propensity to Acute Myelogenous Leukemia; Familial thrombocytopenia with propensity to acute myelogenous leukemia; PLATELET DISORDER, ASPIRIN-LIKE. Identifiers: Orphanet 71290, MedGen C1832388, MeSH C563324, MONDO:0100083, OMIM 601399.
Inborn genetic diseases. Identifiers: MedGen C0950123, MeSH D030342.

Allele frequency attached by ClinVar (database versions not stated): gnomAD exomes below 0.00001; ExAC 0.00001.
gnomAD v4.1: 1 of 1,614,166 alleles (0.000062%); highest among the groups gnomAD compares: Non-Finnish European, 0.000085%; no homozygotes.

Submissions (4):

ClinGen Myeloid Malignancy Variant Curation Expert Panel
Classification: Uncertain significance for Hereditary thrombocytopenia and hematologic cancer predisposition syndrome. Last evaluated: 2024-08-16. Review status: reviewed by expert panel. Criteria: ClinGen MyeloMalig ACMG Specifications v2. Collection method: curation. Allele origin: germline. Inheritance: Autosomal dominant inheritance.
Comment: NM_001754.5(RUNX1):c.490G>A (p.Val164Ile) is a missense variant which affects an amino acid residue within the RHD domain that is defined as a mutational hotspot by the ClinGen MM-VCEP (PM1_supporting). This variant is present on one allele in gnomAD v2.1.1 (251,430 alleles tested) and is absent from gnomAD v3.1.2 (mean depth coverage 30x). In summary, the clinical significance of this variant is uncertain. ACMG/AMP criteria applied, as specified by the Myeloid Malignancy Variant Curation Expert Panel for RUNX1: PM1_supporting.

Ambry Genetics
Classification: Uncertain significance for Inborn genetic diseases. Last evaluated: 2026-03-02. Review status: criteria provided, single submitter. Criteria: Ambry Variant Classification Scheme 2023. Collection method: clinical testing. Allele origin: germline. Not counted in ClinVar's aggregate classification.
Comment: The p.V164I variant (also known as c.490G>A), located in coding exon 4 of the RUNX1 gene, results from a G to A substitution at nucleotide position 490. The valine at codon 164 is replaced by isoleucine, an amino acid with highly similar properties. This amino acid position is conserved. In addition, this alteration is predicted to be deleterious by in silico analysis. Based on the available evidence, the clinical significance of this variant remains unclear.

GeneDx
Classification: Uncertain significance. Last evaluated: 2022-12-22. Review status: criteria provided, single submitter. Criteria: GeneDx Variant Classification Process June 2021. Collection method: clinical testing. Allele origin: germline. Affected: yes. Not counted in ClinVar's aggregate classification.
Comment: Not observed at significant frequency in large population cohorts (gnomAD); In silico analysis supports that this missense variant does not alter protein structure/function; Has not been previously published as pathogenic or benign to our knowledge

Labcorp Genetics (formerly Invitae), Labcorp
Classification: Uncertain significance for Hereditary thrombocytopenia and hematological cancer predisposition syndrome associated with RUNX1. Last evaluated: 2022-03-16. Review status: criteria provided, single submitter. Criteria: Invitae Variant Classification Sherloc (09022015). Collection method: clinical testing. Allele origin: germline. Not counted in ClinVar's aggregate classification.
Comment: In summary, the available evidence is currently insufficient to determine the role of this variant in disease. Therefore, it has been classified as a Variant of Uncertain Significance. Algorithms developed to predict the effect of missense changes on protein structure and function are either unavailable or do not agree on the potential impact of this missense change (SIFT: "Deleterious"; PolyPhen-2: "Probably Damaging"; Align-GVGD: "Class C0"). This variant has not been reported in the literature in individuals affected with RUNX1-related conditions. This variant is present in population databases (rs760221080, gnomAD 0.006%). This sequence change replaces valine, which is neutral and non-polar, with isoleucine, which is neutral and non-polar, at codon 164 of the RUNX1 protein (p.Val164Ile).

NM_001754.5(RUNX1):c.490G>A (p.Val164Ile)

Genes: RUNX1 (RUNX family transcription factor 1; minus strand), RUNX1-AS1 (RUNX1 antisense RNA 1; plus strand). Cytogenetic location: 21q22.12.
Variant type: single nucleotide variant.
Coding change: c.490G>A on transcript NM_001754.5 (MANE Select); coding-DNA position 490, G replaced by A.
Protein change: p.Val164Ile; replaces valine 164 with isoleucine.
Molecular consequence: missense variant.
Genome position (GRCh38, 1-based): chr21:34,880,575, C>T on the plus strand (G>A on the coding strand, the complement: RUNX1 is on the minus strand). VCF-style: chr21-34880575-C-T. GRCh37 (hg19) VCF-style: chr21-36252872-C-T.
Other names: NM_001754.5(RUNX1):c.490G>A; p.Val164Ile; c.409G>A, p.Val137Ile (NM_001001890.3, NM_001122607.2); short protein forms V137I, V164I.
Identifiers: ClinVar variation 2166136 (VCV002166136.7), dbSNP rs760221080, ClinGen allele CA10014505.